The following is an entry in ClinVar:

ClinVar aggregate classification (germline): Uncertain significance (1 of 4 stars; one submission).

Submission:

Labcorp Genetics (formerly Invitae), Labcorp
Classification: Uncertain significance. Last evaluated: 2023-05-08. Review status: criteria provided, single submitter. Criteria: Invitae Variant Classification Sherloc (09022015). Collection method: clinical testing. Allele origin: germline.
Comment: In summary, the available evidence is currently insufficient to determine the role of this variant in disease. Therefore, it has been classified as a Variant of Uncertain Significance. Advanced modeling of protein sequence and biophysical properties (such as structural, functional, and spatial information, amino acid conservation, physicochemical variation, residue mobility, and thermodynamic stability) has been performed at Invitae for this missense variant, however the output from this modeling did not meet the statistical confidence thresholds required to predict the impact of this variant on NDST1 protein function. ClinVar contains an entry for this variant (Variation ID: 1394469). This variant has not been reported in the literature in individuals affected with NDST1-related conditions. This variant is not present in population databases (gnomAD no frequency). This sequence change replaces threonine, which is neutral and polar, with proline, which is neutral and non-polar, at codon 353 of the NDST1 protein (p.Thr353Pro).

NM_001543.5(NDST1):c.1057A>C (p.Thr353Pro)

Gene: NDST1 (N-deacetylase and N-sulfotransferase 1; plus strand). Cytogenetic location: 5q33.1.
Variant type: single nucleotide variant.
Coding change: c.1057A>C on transcript NM_001543.5 (MANE Select); coding-DNA position 1057, A replaced by C.
Protein change: p.Thr353Pro; replaces threonine 353 with proline.
Molecular consequence: missense variant.
Genome position (GRCh38, 1-based): chr5:150,532,993, A>C. VCF-style: chr5-150532993-A-C. GRCh37 (hg19) VCF-style: chr5-149912555-A-C.
Other names: c.1057A>C, p.Thr353Pro (NM_001301063.2); short protein forms T353P.
Identifiers: ClinVar variation 1394469 (VCV001394469.8), dbSNP rs2151285581, ClinGen allele CA361766532.
Genomic context (GRCh38, chr5:150,532,993, plus strand): 5'-TGCCTGTCCTAGGCCCTGTTTGACACACAGAACGAACTACGCGCACACATCCCAAACTTC[A>C]CCTTCAACCTGGGCTACTCAGGGAAATTCTTCCACACAGGTAAGTGGGCCTGCCCCTGCC-3'
Protein context (NP_001534.1, residues 343-363): NELRAHIPNF[Thr353Pro]FNLGYSGKFF